The following is an entry in ClinVar:

NM_001042492.3(NF1):c.7970+2dup

Gene: NF1 (neurofibromin 1; plus strand). Cytogenetic location: 17q11.2.
Variant type: Duplication.
Coding change: c.7970+2dup on transcript NM_001042492.3 (MANE Select); the canonical splice donor site of the intron after coding-DNA position 7970, one base duplicated (T; older notation c.7970+2dupT).
Molecular consequence: splice donor variant.
Genome position (GRCh38, 1-based): chr17:31,357,371, T duplicated. VCF-style (leftmost placement, unchanged base first): chr17-31357370-G-GT. GRCh37 (hg19) VCF-style: chr17-29684388-G-GT.
Other names: c.7907+2dupT (NM_000267.3); c.7907+2dup (NM_000267.3, NM_000267.4).
Identifiers: ClinVar variation 663112 (VCV000663112.5), dbSNP rs1597867039, ClinGen allele CA915949920.
Genomic context (GRCh38, chr17:31,357,370, plus strand): 5'-AATTCTTTATGAATACTTAGCAGAGGCCAGTGTTGTGTTTCCCAAAGTCTTTCCTGTTGT[G>GT]TAAGTATCTCCTTTTGATTTTAATTCACCTTCGTGCCTGTCTTTAAGTTAAATGCTTACC-3'

ClinVar aggregate classification (germline): Likely pathogenic. Review status: criteria provided, multiple submitters, no conflicts (2 of 4 stars). 2 submissions from 2 submitters: Likely pathogenic (2). Last evaluated 2025-03-07.

Conditions:
Neurofibromatosis, type 1 (NF1). Also called: VON RECKLINGHAUSEN DISEASE; NEUROFIBROMATOSIS, TYPE I, SOMATIC; Peripheral type neurofibromatosis; Neurofibromatosis, type I. Identifiers: Orphanet 636, MedGen C0027831, MONDO:0018975, OMIM 162200. Disease mechanism: loss of function.

Allele frequency attached by ClinVar (database versions not stated): gnomAD exomes below 0.00001.

Submissions (2):

Clinical Genetics and Genomics, Karolinska University Hospital
Classification: Likely pathogenic for Neurofibromatosis, type 1. Last evaluated: 2025-03-07. Review status: criteria provided, single submitter. Criteria: ACMG Guidelines, 2015. Collection method: clinical testing. Allele origin: de novo. Inheritance: Autosomal dominant inheritance. Affected: yes.

Labcorp Genetics (formerly Invitae), Labcorp
Classification: Likely pathogenic for Neurofibromatosis, type 1. Last evaluated: 2020-09-09. Review status: criteria provided, single submitter. Criteria: Invitae Variant Classification Sherloc (09022015). Collection method: clinical testing. Allele origin: germline.
Comment: In summary, the currently available evidence indicates that the variant is pathogenic, but additional data are needed to prove that conclusively. Therefore, this variant has been classified as Likely Pathogenic. This variant disrupts the c.7907+5 nucleotide in the NF1 gene. Other variant(s) that disrupt this nucleotide have been determined to be pathogenic (PMID: 25074460, 15146469, Invitae). This suggests that this nucleotide is clinically significant, and that variants that disrupt this position are likely to be disease-causing. Nucleotide substitutions within the consensus splice site are a relatively common cause of aberrant splicing (PMID: 17576681, 9536098). Algorithms developed to predict the effect of sequence changes on RNA splicing suggest that this variant may disrupt the consensus splice site, but this prediction has not been confirmed by published transcriptional studies. This variant has been observed in individual(s) with neurofibromatosis type 1 (Invitae). ClinVar contains an entry for this variant (Variation ID: 663112). This variant is not present in population databases (ExAC no frequency). This sequence change falls in intron 53 of the NF1 gene. It does not directly change the encoded amino acid sequence of the NF1 protein, but it affects a nucleotide within the consensus splice site of the intron.

Literature cited by the submitters: PubMed 25074460 (cited by Labcorp Genetics (formerly Invitae), Labcorp); PubMed 15146469 (cited by Labcorp Genetics (formerly Invitae), Labcorp); PubMed 17576681 (cited by Labcorp Genetics (formerly Invitae), Labcorp); PubMed 9536098 (cited by Labcorp Genetics (formerly Invitae), Labcorp).